The following is an entry in ClinVar:

NM_002519.3(NPAT):c.829A>G (p.Ile277Val)

Gene: NPAT (nuclear protein, coactivator of histone transcription; minus strand). Cytogenetic location: 11q22.3.
Variant type: single nucleotide variant.
Coding change: c.829A>G on transcript NM_002519.3 (MANE Select); coding-DNA position 829, A replaced by G.
Protein change: p.Ile277Val; replaces isoleucine 277 with valine.
Molecular consequence: missense variant.
Genome position (GRCh38, 1-based): chr11:108,185,309, T>C on the plus strand (A>G on the coding strand, the complement: NPAT is on the minus strand). VCF-style: chr11-108185309-T-C. GRCh37 (hg19) VCF-style: chr11-108056036-T-C.
Other names: c.829A>G, p.Ile277Val (NM_001321307.1); short protein forms I277V.
Identifiers: ClinVar variation 1762791 (VCV001762791.3), dbSNP rs2496737795, ClinGen allele CA382520300.

ClinVar aggregate classification (germline): Uncertain significance (1 of 4 stars; one submission).

Allele frequency attached by ClinVar (database versions not stated): gnomAD exomes below 0.00001.
gnomAD v4.1: 4 of 1,609,644 alleles (0.00025%); highest among the groups gnomAD compares: Non-Finnish European, 0.00034%; no homozygotes.

Submission:

Ambry Genetics
Classification: Uncertain significance. Last evaluated: 2024-04-01. Review status: criteria provided, single submitter. Criteria: Ambry Variant Classification Scheme 2023. Collection method: clinical testing. Allele origin: germline.
Comment: The p.I277V variant (also known as c.829A>G), located in coding exon 10 of the NPAT gene, results from an A to G substitution at nucleotide position 829. The isoleucine at codon 277 is replaced by valine, an amino acid with highly similar properties. This amino acid position is conserved. In addition, this alteration is predicted to be tolerated by in silico analysis. Since supporting evidence is limited at this time, the clinical significance of this alteration remains unclear.